The following is an entry in ClinVar:

ClinVar aggregate classification (germline): Uncertain significance (1 of 4 stars; one submission).

Submission:

Ambry Genetics
Classification: Uncertain significance. Last evaluated: 2024-12-04. Review status: criteria provided, single submitter. Criteria: Ambry Variant Classification Scheme 2023. Collection method: clinical testing. Allele origin: germline.
Comment: The p.D467N variant (also known as c.1399G>A), located in coding exon 8 of the PALLD gene, results from a G to A substitution at nucleotide position 1399. The aspartic acid at codon 467 is replaced by asparagine, an amino acid with highly similar properties. This amino acid position is conserved. In addition, this alteration is predicted to be tolerated by in silico analysis. Based on the available evidence, the clinical significance of this variant remains unclear.

NM_001166108.2(PALLD):c.2911G>A (p.Asp971Asn)

Genes: CBR4 (carbonyl reductase 4; minus strand), PALLD (palladin, cytoskeletal associated protein; plus strand). Cytogenetic location: 4q32.3.
Variant type: single nucleotide variant.
Coding change: c.2911G>A on transcript NM_001166108.2 (MANE Select); coding-DNA position 2911, G replaced by A.
Protein change: p.Asp971Asn; replaces aspartic acid 971 with asparagine.
Molecular consequence: missense variant.
Genome position (GRCh38, 1-based): chr4:168,921,594, G>A. VCF-style: chr4-168921594-G-A. GRCh37 (hg19) VCF-style: chr4-169842745-G-A.
Other names: c.1714G>A, p.Asp572Asn (NM_001166109.2); c.1399G>A, p.Asp467Asn (NM_001166110.2); c.739G>A, p.Asp247Asn (NM_001367567.1, NM_001367569.1); c.790G>A, p.Asp264Asn (NM_001367568.1, NM_001367570.1); c.2860G>A, p.Asp954Asn (NM_016081.4); short protein forms D264N, D467N, D572N, D954N, D971N, D247N.
Identifiers: ClinVar variation 3413716 (VCV003413716.1).